The following is an entry in ClinVar:

NC_000011.9:g.(?_117261473)_(117342771_?)dup

Genes: CEP164 (centrosomal protein 164; plus strand), DSCAML1 (DS cell adhesion molecule like 1; minus strand). Cytogenetic location: 11q23.3.
Variant type: Duplication.
Identifiers: ClinVar variation 1411881 (VCV001411881.4).

ClinVar aggregate classification (germline): Uncertain significance. Review status: criteria provided, single submitter (1 of 4 stars). 2 submissions from 1 submitter: Uncertain significance (1). 1 of the submissions does not count toward it. Last evaluated 2022-10-29.

Conditions:
Nephronophthisis 15 (NPHP15). Identifiers: Orphanet 3156, MedGen C3541853, MONDO:0013917, OMIM 614845.

Submissions (2):

Labcorp Genetics (formerly Invitae), Labcorp
Classification: Uncertain significance. Last evaluated: 2022-10-29. Review status: criteria provided, single submitter. Criteria: Invitae Variant Classification Sherloc (09022015). Collection method: clinical testing. Allele origin: germline.
Comment: This variant results in a copy number gain of the genomic region encompassing exon(s) 15-33 of the DSCAML1 gene. This region includes the termination codon of the gene. This copy number gain extends beyond the assayed region for this gene and therefore may encompass additional genes. As the precise location of this event is unknown, it may be in tandem or it may be located elsewhere in the genome. This variant has not been reported in the literature in individuals affected with DSCAML1-related conditions. In summary, the available evidence is currently insufficient to determine the role of this variant in disease. Therefore, it has been classified as a Variant of Uncertain Significance.

Labcorp Genetics (formerly Invitae), Labcorp
Classification: Uncertain significance for Nephronophthisis 15. Last evaluated: 2022-04-07. Review status: flagged submission. Criteria: Invitae Variant Classification Sherloc (09022015). Collection method: clinical testing. Allele origin: germline. Not counted in ClinVar's aggregate classification.
Comment: This variant results in a copy number gain of the genomic region encompassing exon(s) 16-33 of the CEP164 gene. This region includes the termination codon of the gene. This copy number gain extends beyond the assayed region for this gene and therefore may encompass additional genes. As the precise location of this event is unknown, it may be in tandem or it may be located elsewhere in the genome. This variant has not been reported in the literature in individuals affected with CEP164-related conditions. In summary, the available evidence is currently insufficient to determine the role of this variant in disease. Therefore, it has been classified as a Variant of Uncertain Significance.
ClinVar note: Reason: This record appears to be redundant with a more recent record from the same submitter.
ClinVar note: Notes: SCV002184951 appears to be redundant with SCV002185395.